The following is an entry in ClinVar:

ClinVar aggregate classification (germline): Likely pathogenic. Review status: criteria provided, multiple submitters, no conflicts (2 of 4 stars). 3 submissions from 3 submitters: Likely pathogenic (2). 1 of the submissions does not count toward it. Last evaluated 2017-01-19.

Conditions:
8q24.3 microdeletion syndrome. Also called: CHROMOSOME 8q24.3 DELETION SYNDROME; Verheij syndrome. Identifiers: Orphanet 508488, MedGen C3810023, MONDO:0014263, OMIM 615583.

Submissions (3):

Bristol Genetics Laboratory, North Bristol NHS Trust
Classification: Likely pathogenic. Last evaluated: 2017-01-19. Review status: criteria provided, single submitter. Criteria: ACGS Guidelines, 2013. Collection method: research. Allele origin: de novo. Affected: yes. Observed: 1 heterozygote.

Equipe Genetique des Anomalies du Developpement, Université de Bourgogne
Classification: Likely pathogenic for 8q24.3 microdeletion syndrome. Last evaluated: 2017-01-19. Review status: criteria provided, single submitter. Criteria: ACMG Guidelines, 2015. Collection method: clinical testing. Allele origin: de novo. Affected: yes.

Baylor Genetics
Classification: Pathogenic for 8q24.3 microdeletion syndrome. Last evaluated: 2014-11-14. Review status: no assertion criteria provided. Collection method: clinical testing. Allele origin: de novo. Inheritance: Autosomal dominant inheritance. Affected: yes. Observed: 1 variant allele, 1 heterozygote. Not counted in ClinVar's aggregate classification.

Literature cited by the submitters: PubMed 28327570 (cited by Bristol Genetics Laboratory, North Bristol NHS Trust).

NM_078480.3(PUF60):c.1381-2A>G

Gene: PUF60 (poly(U) binding splicing factor 60; minus strand). Cytogenetic location: 8q24.3.
Variant type: single nucleotide variant.
Coding change: c.1381-2A>G on transcript NM_078480.3 (MANE Select); the canonical splice acceptor site of the intron before coding-DNA position 1381, A replaced by G.
Molecular consequence: splice acceptor variant.
Genome position (GRCh38, 1-based): chr8:143,816,821, T>C on the plus strand (A>G on the coding strand, the complement: PUF60 is on the minus strand). VCF-style: chr8-143816821-T-C. GRCh37 (hg19) VCF-style: chr8-144898991-T-C.
Other names: c.1243-2A>G (NM_001271097.2); c.1294-2A>G (NM_001271099.2); c.1327-2A>G (NM_001271096.2); c.1378-2A>G (NM_001271098.2); c.1330-2A>G (NM_014281.5); c.1201-2A>G (NM_001271100.2); c.1252-2A>G (NM_001136033.3); c.1441-2A>G (NM_001362897.2); and 1 more.
Identifiers: ClinVar variation 374297 (VCV000374297.4), dbSNP rs1057518681, ClinGen allele CA16043720.